The following is an entry in ClinVar:

ClinVar aggregate classification (germline): Conflicting classifications of pathogenicity. Review status: criteria provided, conflicting classifications (1 of 4 stars). 11 submissions from 11 submitters: Uncertain significance (1); Benign (6); Likely benign (2). 2 of the submissions do not count toward it. Last evaluated 2026-05-01.

Conditions:
Autosomal recessive nonsyndromic hearing loss 77. Identifiers: Orphanet 90636, MedGen C2746083, MONDO:0013119, OMIM 613079.

Allele frequency attached by ClinVar (database versions not stated): 1000 Genomes Project 30x 0.00187; 1000 Genomes Project 0.00240; TOPMed 0.00271; ESP Exome Variant Server 0.00350; ExAC 0.00609; gnomAD exomes 0.00631 and 0.00783; gnomAD 0.00695 and 0.00751.
gnomAD v4.1: 9,772 of 1,551,526 alleles (0.63%); highest among the groups gnomAD compares: Non-Finnish European, 0.53%; 107 homozygotes.

Submissions (11):

CeGaT Center for Human Genetics Tuebingen
Classification: Likely benign. Last evaluated: 2026-05-01. Review status: criteria provided, single submitter. Criteria: CeGaT Center For Human Genetics Tuebingen Variant Classification Criteria Version 2. Collection method: clinical testing. Allele origin: germline. Affected: yes. Observed: 4 variant alleles.
Comment: LOXHD1: BS2

Labcorp Genetics (formerly Invitae), Labcorp
Classification: Benign. Last evaluated: 2026-02-01. Review status: criteria provided, single submitter. Criteria: Invitae Variant Classification Sherloc (09022015). Collection method: clinical testing. Allele origin: germline.

Blueprint Genetics
Classification: Likely benign. Last evaluated: 2024-11-27. Review status: criteria provided, single submitter. Criteria: ACMG Guidelines, 2015. Collection method: clinical testing. Allele origin: germline.

Mendelics
Classification: Benign for Autosomal recessive nonsyndromic hearing loss 77. Last evaluated: 2019-05-28. Review status: criteria provided, single submitter. Criteria: Mendelics Assertion Criteria 2017. Collection method: clinical testing. Allele origin: unknown.

GeneDx
Classification: Benign. Last evaluated: 2018-03-26. Review status: criteria provided, single submitter. Criteria: GeneDx Variant Classification (06012015). Collection method: clinical testing. Allele origin: germline. Affected: yes.
Comment: This variant is considered likely benign or benign based on one or more of the following criteria: it is a conservative change, it occurs at a poorly conserved position in the protein, it is predicted to be benign by multiple in silico algorithms, and/or has population frequency not consistent with disease.

Illumina Laboratory Services, Illumina
Classification: Uncertain significance for Autosomal recessive nonsyndromic hearing loss 77. Last evaluated: 2017-04-27. Review status: criteria provided, single submitter. Criteria: ICSL Variant Classification Criteria 13 December 2019. Collection method: clinical testing. Allele origin: germline.
Comment: This variant was observed as part of a predisposition screen in an ostensibly healthy population. A literature search was performed for the gene, cDNA change, and amino acid change (where applicable). Publications were found based on this search. However, the evidence from the literature, in combination with allele frequency data from public databases where available, was not sufficient to rule this variant in or out of causing disease. Therefore, this variant is classified as a variant of unknown significance.

Center for Pediatric Genomic Medicine, Children's Mercy Hospital and Clinics
Classification: Benign. Last evaluated: 2017-03-17. Review status: criteria provided, single submitter. Criteria: ACMG Guidelines, 2015. Collection method: clinical testing. Allele origin: germline.

Eurofins Ntd Llc (ga)
Classification: Benign. Last evaluated: 2016-09-12. Review status: criteria provided, single submitter. Criteria: EGL Classification Definitions 2015. Collection method: clinical testing. Allele origin: germline. Observed: 2 variant alleles, 2 heterozygotes.

Laboratory for Molecular Medicine, Mass General Brigham Personalized Medicine
Classification: Benign. Last evaluated: 2016-02-07. Review status: criteria provided, single submitter. Criteria: LMM Criteria. Collection method: clinical testing. Allele origin: germline. Observed: 12 variant alleles.
Comment: p.Gly1509Glu in exon 29 of LOXHD1: This variant is not expected to have clinical significance because it has been identified in 5% (80/1614) of Finnish chromoso mes by the Exome Aggregation Consortium (ExAC; d bSNP rs187587197).

Natera, Inc.
Classification: Likely benign for Autosomal recessive deafness type 77. Last evaluated: 2020-01-08. Review status: no assertion criteria provided. Collection method: clinical testing. Allele origin: germline. Not counted in ClinVar's aggregate classification.

Counsyl
Classification: Likely benign for Autosomal recessive nonsyndromic hearing loss 77. Last evaluated: 2017-03-16. Review status: no assertion criteria provided. Collection method: clinical testing. Allele origin: unknown. Not counted in ClinVar's aggregate classification.

Literature cited by the submitters: PubMed 21465660 (cited by Illumina Laboratory Services, Illumina).

NM_001384474.1(LOXHD1):c.4526G>A (p.Gly1509Glu)

Gene: LOXHD1 (lipoxygenase homology PLAT domains 1; minus strand). Cytogenetic location: 18q21.1.
Variant type: single nucleotide variant.
Coding change: c.4526G>A on transcript NM_001384474.1 (MANE Select); coding-DNA position 4526, G replaced by A.
Protein change: p.Gly1509Glu; replaces glycine 1509 with glutamic acid.
Molecular consequence: missense variant.
Genome position (GRCh38, 1-based): chr18:46,529,181, C>T on the plus strand (G>A on the coding strand, the complement: LOXHD1 is on the minus strand). VCF-style: chr18-46529181-C-T. GRCh37 (hg19) VCF-style: chr18-44109144-C-T.
Other names: c.1193G>A, p.Gly398Glu (NM_001145472.3); c.905G>A, p.Gly302Glu (NM_001308013.2); c.4526G>A, p.Gly1509Glu (NM_144612.7); short protein forms G1509E, G302E, G398E.
Identifiers: ClinVar variation 178612 (VCV000178612.54), dbSNP rs187587197, ClinGen allele CA182663.
Genomic context (GRCh38, chr18:46,529,181, plus strand): 5'-AGATCGCTGGGCCTGGAGAGGAGGGAAGGAGGGTAAACTCCGTGTGCCCCTCATACCGTT[C>T]CTCTCTCGAACTTGTTGGTCCGGTTCTCTGACTTGCCAAGGTATCGCTCCCCAGTGTCCC-3'
Protein context (NP_001371403.1, residues 1499-1519): SENRTNKFER[Gly1509Glu]TADTFIIEAA